The following is an entry in ClinVar:

ClinVar aggregate classification (germline): Likely benign (1 of 4 stars; one submission).

Allele frequency attached by ClinVar (database versions not stated): gnomAD 0.00003; gnomAD exomes 0.00004; TOPMed 0.00004; ExAC 0.00006.
gnomAD v4.1: 60 of 1,614,046 alleles (0.0037%); highest among the groups gnomAD compares: Non-Finnish European, 0.0049%; no homozygotes.

Submission:

CeGaT Center for Human Genetics Tuebingen
Classification: Likely benign. Last evaluated: 2023-08-01. Review status: criteria provided, single submitter. Criteria: CeGaT Center For Human Genetics Tuebingen Variant Classification Criteria Version 2. Collection method: clinical testing. Allele origin: germline. Affected: yes. Observed: 1 variant allele.
Comment: TTC21A: BP4, BP7

NM_001366900.1(TTC21A):c.3360G>A (p.Arg1120=)

Gene: TTC21A (tetratricopeptide repeat domain 21A; plus strand). Cytogenetic location: 3p22.2.
Variant type: single nucleotide variant.
Coding change: c.3360G>A on transcript NM_001366900.1 (MANE Select); coding-DNA position 3360, G replaced by A.
Protein change: p.Arg1120=; no amino-acid change (arginine 1120 retained).
Molecular consequence: synonymous variant. On other transcripts: non-coding transcript variant (1).
Genome position (GRCh38, 1-based): chr3:39,137,297, G>A. VCF-style: chr3-39137297-G-A. GRCh37 (hg19) VCF-style: chr3-39178788-G-A.
Other names: c.3237G>A, p.Arg1079= (NM_001105513.3); c.3384G>A, p.Arg1128= (NM_001366899.1); c.3381G>A, p.Arg1127= (NM_145755.3).
Identifiers: ClinVar variation 2578938 (VCV002578938.25), dbSNP rs770315180, ClinGen allele CA2324999.